The following is an entry in ClinVar:

NM_000551.4(VHL):c.82G>C (p.Asp28His)

Gene: VHL (von Hippel-Lindau tumor suppressor; plus strand). Cytogenetic location: 3p25.3.
Variant type: single nucleotide variant.
Coding change: c.82G>C on transcript NM_000551.4 (MANE Select); coding-DNA position 82, G replaced by C.
Protein change: p.Asp28His; replaces aspartic acid 28 with histidine.
Molecular consequence: missense variant.
Genome position (GRCh38, 1-based): chr3:10,141,929, G>C. VCF-style: chr3-10141929-G-C. GRCh37 (hg19) VCF-style: chr3-10183613-G-C.
Other names: c.82G>C, p.Asp28His (NM_001354723.2, NM_198156.3); short protein forms D28H.
Identifiers: ClinVar variation 1390097 (VCV001390097.8), dbSNP rs1553619319, ClinGen allele CA351747494.

ClinVar aggregate classification (germline): Uncertain significance (1 of 4 stars; one submission).

Conditions:
Chuvash polycythemia. Also called: POLYCYTHEMIA, VHL-DEPENDENT. Identifiers: Orphanet 238557, MedGen C1837915, MONDO:0009892, OMIM 263400.
Von Hippel-Lindau syndrome (VHLS). Also called: VHL syndrome; von Hippel–Lindau syndrome; Von Hippel-Lindau. Identifiers: Orphanet 892, MedGen C0019562, MONDO:0008667, OMIM 193300. Disease mechanism: loss of function.

Submission:

Labcorp Genetics (formerly Invitae), Labcorp
Classification: Uncertain significance for Von Hippel-Lindau syndrome; Chuvash polycythemia. Last evaluated: 2021-08-12. Review status: criteria provided, single submitter. Criteria: Invitae Variant Classification Sherloc (09022015). Collection method: clinical testing. Allele origin: germline.
Comment: In summary, the available evidence is currently insufficient to determine the role of this variant in disease. Therefore, it has been classified as a Variant of Uncertain Significance. Advanced modeling of protein sequence and biophysical properties (such as structural, functional, and spatial information, amino acid conservation, physicochemical variation, residue mobility, and thermodynamic stability) performed at Invitae indicates that this missense variant is not expected to disrupt VHL protein function. This variant has not been reported in the literature in individuals affected with VHL-related conditions. The frequency data for this variant in the population databases is considered unreliable, as metrics indicate insufficient coverage at this position in the ExAC database. This sequence change replaces aspartic acid with histidine at codon 28 of the VHL protein (p.Asp28His). The aspartic acid residue is weakly conserved and there is a moderate physicochemical difference between aspartic acid and histidine.